The following is an entry in ClinVar:

ClinVar aggregate classification (germline): Pathogenic/Likely pathogenic. Review status: criteria provided, multiple submitters, no conflicts (2 of 4 stars). 15 submissions from 15 submitters: Pathogenic (8); Likely pathogenic (6). 1 of the submissions does not count toward it. Last evaluated 2026-01-31.

Conditions:
Multiple endocrine neoplasia type 2A. Also called: MULTIPLE ENDOCRINE NEOPLASIA, TYPE IIA; PTC SYNDROME; SIPPLE SYNDROME; MEN 2A; MEN-2A syndrome; Pheochromocytoma and amyloid producing medullary thyroid carcinoma. Identifiers: Orphanet 247698, Orphanet 653, MedGen C0025268, MeSH D018813, MONDO:0008234, OMIM 171400.
Pheochromocytoma. Also called: MAX-Related Hereditary Paraganglioma-Pheochromocytoma Syndrome. Identifiers: Orphanet 29072, MedGen C0031511, MONDO:0008233, OMIM 171300, HP:0002666.
Familial medullary thyroid carcinoma (MTC). Also called: Thyroid cancer, familial medullary; MTC, familial; Familial Medullary Thyroid Carcinoma (FMTC). Identifiers: Orphanet 653, Orphanet 99361, MedGen C1833921, MONDO:0007958, OMIM 155240.
Multiple endocrine neoplasia type 2B. Also called: MEN 2B; Multiple endocrine neoplasia, type 3; MULTIPLE ENDOCRINE NEOPLASIA, TYPE IIB; MUCOSAL NEUROMA SYNDROME; NEUROMATA, MUCOSAL, WITH ENDOCRINE TUMORS; WAGENMANN-FROBOESE SYNDROME. Identifiers: Orphanet 247709, Orphanet 653, MedGen C0025269, MeSH D018814, MONDO:0008082, OMIM 162300.
Hirschsprung disease, susceptibility to, 1 (HSCR1). Also called: RET-Related Hirschsprung Disease. Identifiers: Orphanet 388, MedGen C3888239, MONDO:0007723, OMIM 142623.
Hereditary cancer-predisposing syndrome. Also called: Neoplastic Syndromes, Hereditary; Tumor predisposition; Hereditary neoplastic syndrome; Hereditary Cancer Syndrome. Identifiers: Orphanet 140162, MedGen C0027672, MeSH D009386, MONDO:0015356.
Medullary thyroid carcinoma (MTC). Also called: Medullary thyroid gland carcinoma. Identifiers: Orphanet 1332, MedGen C0238462, MeSH C536914, MONDO:0015277, HP:0002865.
Multiple endocrine neoplasia, type 2 (MEN2). Identifiers: Orphanet 653, MedGen C4048306, MONDO:0019003. Disease mechanism: gain of function.

Allele frequency attached by ClinVar (database versions not stated): gnomAD 0.00001; ESP Exome Variant Server 0.00008; TOPMed below 0.00001.
gnomAD v4.1: 11 of 1,612,078 alleles (0.00068%); highest among the groups gnomAD compares: South Asian, 0.0011%; no homozygotes.

Submissions 1 to 5 of 15:

Labcorp Genetics (formerly Invitae), Labcorp
Classification: Pathogenic for Multiple endocrine neoplasia, type 2. Last evaluated: 2026-01-31. Review status: criteria provided, single submitter. Criteria: Invitae Variant Classification Sherloc (09022015). Collection method: clinical testing. Allele origin: germline.
Comment: This sequence change replaces lysine, which is basic and polar, with glutamic acid, which is acidic and polar, at codon 666 of the RET protein (p.Lys666Glu). This variant is not present in population databases (gnomAD no frequency). This missense change has been observed in individual(s) with medullary thyroid cancer and pheochromocytoma (PMID: 15858153, 21690267, 30927507). It has also been observed to segregate with disease in related individuals. ClinVar contains an entry for this variant (Variation ID: 24931). An algorithm developed to predict the effect of missense changes on protein structure and function (PolyPhen-2) suggests that this variant is likely to be disruptive. Experimental studies have shown that this missense change affects RET function (PMID: 21690267). This variant disrupts the p.Lys666 amino acid residue in RET. Other variant(s) that disrupt this residue have been determined to be pathogenic (PMID: 20103606, 26269449, 27673361). This suggests that this residue is clinically significant, and that variants that disrupt this residue are likely to be disease-causing. For these reasons, this variant has been classified as Pathogenic.

GeneDx
Classification: Likely pathogenic. Last evaluated: 2025-10-29. Review status: criteria provided, single submitter. Criteria: GeneDx Variant Classification Process June 2021. Collection method: clinical testing. Allele origin: germline. Affected: yes.
Comment: Published functional studies demonstrate increased transforming activity and ERK phosphorylation (PMID: 21690267); Not observed at significant frequency in large population cohorts (gnomAD); In silico analysis suggests that this missense variant does not alter protein structure/function; Categorized as a moderate risk allele for aggressive medullary thyroid carcinoma by the American Thyroid Association (PMID: 25810047); This variant is associated with the following publications: (PMID: 25637381, 20103606, 27673361, 29590403, 29284153, 24699901, 25440022, 26732158, 29408964, 27809725, 26678667, 28740527, 15858153, 31510104, 32375120, 30927507, 37900832, 14633923, 32376047, 38339246, 26580448, 33340421, 37835559, 25810047, 21690267, 39439561, 40138217, 39404342, 17605401, 39412150, 40577012)

ARUP Laboratories, Molecular Genetics and Genomics, ARUP Laboratories
Classification: Pathogenic. Last evaluated: 2025-06-13. Review status: criteria provided, single submitter. Criteria: ARUP Molecular Germline Variant Investigation Process 2024. Collection method: clinical testing. Allele origin: germline.
Comment: The RET c.1996A>G; p.Lys666Glu variant (rs143795581, ClinVar Variation ID: 24931) is reported in the literature in multiple individuals affected with multiple endocrine neoplasia type 2A (MEN2A) or familial medullary thyroid carcinoma (FMTC; Ahmed 2005, Borrello 2011, Fussey 2021, Larsen 2020) and is considered a variant of moderate risk for aggressive medullary thyroid carcinoma by the American Thyroid Association (Wells 2015). This variant was found to segregate with disease in a family, but was also found in unaffected relatives (Ahmed 2005). This variant is absent from the Genome Aggregation Database (v2.1.1), indicating it is not a common polymorphism. Additionally, other amino acid substitutions at this codon (Asn, Arg, Met), have been reported in individuals with RET-related disorders and are considered disease causing (Mastroianno 2011, Muzza 2010, Yamazaki 2014). Functional analyses in NIH3T3 cells demonstrate increased transforming activity when compared to WT, but had lower activity when compared to pathogenic control p.Cys634Arg (Borello 2011). Computational analyses predict that this variant is deleterious (REVEL: 0.782). Based on available information, this variant is considered to be pathogenic. References: Ahmed SA et al. Nine novel germline gene variants in the RET proto-oncogene identified in twelve unrelated cases. J Mol Diagn. 2005 May;7(2):283-8. PMID: 15858153. Borrello MG et al. Functional characterization of the MTC-associated germline RET-K666E mutation: evidence of oncogenic potential enhanced by the G691S polymorphism. Endocr Relat Cancer. 2011 Jul 25;18(4):519-27. PMID: 21690267. Fussey JM et al. Diagnostic RET genetic testing in 1,058 index patients: A UK centre perspective. Clin Endocrinol (Oxf). 2021 Aug;95(2):295-302. PMID: 33340421. Larsen LV et al. Primary hyperparathyroidism as first manifestation in multiple endocrine neoplasia type 2A: an international multicenter study. Endocr Connect. 2020 Jun;9(6):489-497. PMID: 32375120. Mastroianno S et al. Coexistence of multiple endocrine neoplasia type 1 and type 2 in a large Italian family. Endocrine. 2011 Dec;40(3):481-5. PMID: 21678021. Muzza M et al. Four novel RET germline variants in exons 8 and 11 display an oncogenic potential in vitro. Eur J Endocrinol. 2010; 162(4):771-7. PMID: 20103606. Wells SA Jr et al. American Thyroid Association Guidelines Task Force on Medullary Thyroid Carcinoma. Revised American Thyroid Association guidelines for the management of medullary thyroid carcinoma. Thyroid. 2015 Jun;25(6):567-610. PMID: 25810047. Yamazaki M et al. A newly identified missense mutation in RET codon 666 is associated with the development of medullary thyroid carcinoma. Endocr J. 2014; 61(11):1141-4. PMID: 25319874.

Women's Health and Genetics/Laboratory Corporation of America, LabCorp
Classification: Pathogenic for Hirschsprung disease, susceptibility to, 1. Last evaluated: 2025-03-31. Review status: criteria provided, single submitter. Criteria: LabCorp Variant Classification Summary - May 2015. Collection method: clinical testing. Allele origin: germline.
Comment: Variant summary: RET c.1996A>G (p.Lys666Glu) results in a conservative amino acid change in the encoded protein sequence. Three of five in-silico tools predict a damaging effect of the variant on protein function. The variant was absent in 250846 control chromosomes. c.1996A>G has been reported in the literature in multiple individuals affected with medullary thyroid cancer and pheochromocytoma (e.g. Ahmed_2005, Borello_2011). These data indicate that the variant is very likely to be associated with disease. At least one publication reports experimental evidence evaluating an impact on protein function, and shown to affect protein function (Borello_2011). The following publications have been ascertained in the context of this evaluation (PMID: 15858153, 21690267). ClinVar contains an entry for this variant (Variation ID: 24931). Based on the evidence outlined above, the variant was classified as pathogenic.

Molecular Pathology, Peter Maccallum Cancer Centre
Classification: Pathogenic for Multiple endocrine neoplasia, type 2. Last evaluated: 2025-03-07. Review status: criteria provided, single submitter. Criteria: ACMG Guidelines, 2015. Collection method: clinical testing. Allele origin: germline. Inheritance: Autosomal dominant inheritance.

NM_020975.6(RET):c.1996A>G (p.Lys666Glu)

Gene: RET (ret proto-oncogene; plus strand). Cytogenetic location: 10q11.21.
Variant type: single nucleotide variant.
Coding change: c.1996A>G on transcript NM_020975.6 (MANE Select); coding-DNA position 1996, A replaced by G.
Protein change: p.Lys666Glu; replaces lysine 666 with glutamic acid.
Molecular consequence: missense variant.
Genome position (GRCh38, 1-based): chr10:43,114,596, A>G. VCF-style: chr10-43114596-A-G. GRCh37 (hg19) VCF-style: chr10-43610044-A-G.
Other names: p.Lys666Glu; c.1996A>G, p.Lys666Glu (NM_000323.2, NM_001406743.1, NM_001406744.1 and 4 more transcripts); c.1234A>G, p.Lys412Glu (NM_001355216.2); c.1867A>G, p.Lys623Glu (NM_001406761.1, NM_001406762.1, NM_001406764.1); c.1708A>G, p.Lys570Glu (NM_001406766.1, NM_001406767.1, NM_001406770.1); c.1600A>G, p.Lys534Glu (NM_001406769.1, NM_001406772.1); c.1558A>G, p.Lys520Glu (NM_001406771.1, NM_001406773.1); c.970A>G, p.Lys324Glu (NM_001406783.1, NM_001406786.1); and 8 more; short protein forms K412E, K336E, K534E, K183E, K231E, K367E, K424E, K491E.
Identifiers: ClinVar variation 24931 (VCV000024931.33), dbSNP rs143795581, ClinGen allele CA008502.